The following is an entry in ClinVar:

NM_004259.7(RECQL5):c.1586-5dup

Gene: RECQL5 (RecQ like helicase 5; minus strand). Cytogenetic location: 17q25.1.
Variant type: Duplication.
Coding change: c.1586-5dup on transcript NM_004259.7 (MANE Select); 5 bases into the intron before coding-DNA position 1586, one base duplicated (C; older notation c.1586-5dupC).
Molecular consequence: intron variant.
Genome position (GRCh38, 1-based): chr17:75,630,842, G duplicated on the plus strand (C on the coding strand, the reverse complement: RECQL5 is on the minus strand); the first of 12 consecutive G bases (chr17:75,630,842-75,630,853); duplicating any one gives the same sequence. VCF-style (leftmost placement, unchanged base first): chr17-75630841-T-TG. GRCh37 (hg19) VCF-style: chr17-73626921-T-TG.
Other names: c.1586-5dupC (NM_004259.6).
Identifiers: ClinVar variation 2801244 (VCV002801244.4), dbSNP rs55982817, ClinGen allele CA8767373.

ClinVar aggregate classification (germline): Benign. Review status: criteria provided, single submitter (1 of 4 stars). 2 submissions from 2 submitters: Benign (1). 1 of the submissions does not count toward it. Last evaluated 2024-12-12.

Conditions:
RECQL5-related disorder. Also called: RECQL5-related condition.

Submissions (2):

Labcorp Genetics (formerly Invitae), Labcorp
Classification: Benign. Last evaluated: 2024-12-12. Review status: criteria provided, single submitter. Criteria: Invitae Variant Classification Sherloc (09022015). Collection method: clinical testing. Allele origin: germline.

PreventionGenetics, part of Exact Sciences
Classification: Benign for RECQL5-related condition. Last evaluated: 2019-10-30. Review status: no assertion criteria provided. Collection method: clinical testing. Allele origin: germline. Not counted in ClinVar's aggregate classification.
Comment: This variant is classified as benign based on ACMG/AMP sequence variant interpretation guidelines (Richards et al. 2015 PMID: 25741868, with internal and published modifications).